The following is an entry in ClinVar:

ClinVar aggregate classification (germline): Conflicting classifications of pathogenicity. Review status: criteria provided, conflicting classifications (1 of 4 stars). 4 submissions from 4 submitters: Uncertain significance (3); Likely benign (1). Last evaluated 2025-06-29.

Conditions:
Hypogonadotropic hypogonadism 5 with or without anosmia (KAL5). Also called: HYPOGONADOTROPIC HYPOGONADISM 5 WITH ANOSMIA; HYPOGONADOTROPHIC HYPOGONADISM 5 WITHOUT ANOSMIA; CHD7-Related GnRH Deficiency (Kallmann Syndrome 5). Identifiers: Orphanet 478, MedGen C3552553, MONDO:0012880, OMIM 612370. Disease mechanism: loss of function.
CHARGE syndrome (CHARGE). Also called: CHARGE ASSOCIATION--COLOBOMA, HEART ANOMALY, CHOANAL ATRESIA, RETARDATION, GENITAL AND EAR ANOMALIES; Coloboma, heart anomaly, choanal atresia, retardation, genital and ear anomalies; CHARGE association; Hall-Hittner syndrome; Hittner Hirsch Kreh syndrome. Identifiers: Orphanet 138, MedGen C0265354, MONDO:0008965.
Inborn genetic diseases. Identifiers: MedGen C0950123, MeSH D030342.

Allele frequency attached by ClinVar (database versions not stated): ExAC 0.00001; gnomAD 0.00001; TOPMed 0.00002.
gnomAD v4.1: 5 of 1,612,390 alleles (0.00031%); highest among the groups gnomAD compares: Non-Finnish European, 0.00042%; no homozygotes.

Submissions (4):

Labcorp Genetics (formerly Invitae), Labcorp
Classification: Likely benign for CHARGE syndrome. Last evaluated: 2025-06-29. Review status: criteria provided, single submitter. Criteria: Invitae Variant Classification Sherloc (09022015). Collection method: clinical testing. Allele origin: germline.

Women's Health and Genetics/Laboratory Corporation of America, LabCorp
Classification: Uncertain significance. Last evaluated: 2025-03-08. Review status: criteria provided, single submitter. Criteria: LabCorp Variant Classification Summary - May 2015. Collection method: clinical testing. Allele origin: germline.

Fulgent Genetics
Classification: Uncertain significance for CHD7-related CHARGE syndrome; Hypogonadotropic hypogonadism 5 with or without anosmia. Last evaluated: 2022-03-23. Review status: criteria provided, single submitter. Criteria: ACMG Guidelines, 2015. Collection method: clinical testing. Allele origin: unknown.

Ambry Genetics
Classification: Uncertain significance for Inborn genetic diseases. Last evaluated: 2021-11-02. Review status: criteria provided, single submitter. Criteria: Ambry Variant Classification Scheme 2023. Collection method: clinical testing. Allele origin: germline.
Comment: The p.S937C variant (also known as c.2810C>G), located in coding exon 9 of the CHD7 gene, results from a C to G substitution at nucleotide position 2810. The serine at codon 937 is replaced by cysteine, an amino acid with dissimilar properties. This amino acid position is conserved. In addition, the in silico prediction for this alteration is inconclusive. Since supporting evidence is limited at this time, the clinical significance of this alteration remains unclear.

NM_017780.4(CHD7):c.2810C>G (p.Ser937Cys)

Gene: CHD7 (chromodomain helicase DNA binding protein 7; plus strand). Cytogenetic location: 8q12.2.
Variant type: single nucleotide variant.
Coding change: c.2810C>G on transcript NM_017780.4 (MANE Select); coding-DNA position 2810, C replaced by G.
Protein change: p.Ser937Cys; replaces serine 937 with cysteine.
Molecular consequence: missense variant. On other transcripts: intron variant (1).
Genome position (GRCh38, 1-based): chr8:60,821,902, C>G. VCF-style: chr8-60821902-C-G. GRCh37 (hg19) VCF-style: chr8-61734461-C-G.
Other names: c.1717-40327C>G (NM_001316690.1); short protein forms S937C.
Identifiers: ClinVar variation 848407 (VCV000848407.13), dbSNP rs775000989, ClinGen allele CA4759817.